The following is an entry in ClinVar:

ClinVar aggregate classification (germline): Uncertain significance (1 of 4 stars; one submission).

gnomAD v4.1: 4 of 1,613,956 alleles (0.00025%); highest among the groups gnomAD compares: Non-Finnish European, 0.00034%; no homozygotes.

Submission:

Greenwood Genetic Center Diagnostic Laboratories, Greenwood Genetic Center
Classification: Uncertain significance. Last evaluated: 2023-04-25. Review status: criteria provided, single submitter. Criteria: ACMG Guidelines, 2015. Collection method: clinical testing. Allele origin: germline. Affected: yes.
Comment: PM2, PP3

NM_001164760.2(PRKAR1B):c.522C>G (p.Phe174Leu)

Genes: PRKAR1B (protein kinase cAMP-dependent type I regulatory subunit beta; minus strand), PRKAR1B-AS1 (PRKAR1B antisense RNA 1; plus strand). Cytogenetic location: 7p22.3.
Variant type: single nucleotide variant.
Coding change: c.522C>G on transcript NM_001164760.2 (MANE Select); coding-DNA position 522, C replaced by G.
Protein change: p.Phe174Leu; replaces phenylalanine 174 with leucine.
Molecular consequence: missense variant.
Genome position (GRCh38, 1-based): chr7:606,220, G>C on the plus strand (C>G on the coding strand, the complement: PRKAR1B is on the minus strand). VCF-style: chr7-606220-G-C. GRCh37 (hg19) VCF-style: chr7-645857-G-C.
Other names: c.522C>G, p.Phe174Leu (NM_001164758.2, NM_001164759.1, NM_001164761.2 and 2 more transcripts); short protein forms F174L.
Identifiers: ClinVar variation 2572367 (VCV002572367.1), dbSNP rs1409807831, ClinGen allele CA366532818.